The following is an entry in ClinVar:

ClinVar aggregate classification (germline): Uncertain significance (1 of 4 stars; one submission).

Allele frequency attached by ClinVar (database versions not stated): ESP Exome Variant Server 0.00008; TOPMed 0.00009; gnomAD 0.00015 and 0.00021; gnomAD exomes 0.00021 and 0.00045; ExAC 0.00046; 1000 Genomes Project 30x 0.00047; 1000 Genomes Project 0.00060.
gnomAD v4.1: 343 of 1,614,032 alleles (0.021%); highest among the groups gnomAD compares: South Asian, 0.19%; 2 homozygotes.

Submission:

Women's Health and Genetics/Laboratory Corporation of America, LabCorp
Classification: Uncertain significance. Last evaluated: 2021-02-19. Review status: criteria provided, single submitter. Criteria: LabCorp Variant Classification Summary - May 2015. Collection method: clinical testing. Allele origin: germline.
Comment: Variant summary: ZNF407 c.1526C>T (p.Pro509Leu) results in a non-conservative amino acid change in the encoded protein sequence. Four of five in-silico tools predict a benign effect of the variant on protein function. The variant allele was found at a frequency of 0.00045 in 248912 control chromosomes, predominantly at a frequency of 0.0018 within the South Asian subpopulation in the gnomAD database, including 1 homozygote. To our knowledge, no occurrence of c.1526C>T in individuals affected with ZNF407-Related Disorders and no experimental evidence demonstrating its impact on protein function have been reported. No clinical diagnostic laboratories have submitted clinical-significance assessments for this variant to ClinVar after 2014. Based on the evidence outlined above, the variant was classified as uncertain significance.

NM_017757.3(ZNF407):c.1526C>T (p.Pro509Leu)

Gene: ZNF407 (zinc finger protein 407; plus strand). Cytogenetic location: 18q22.3.
Variant type: single nucleotide variant.
Coding change: c.1526C>T on transcript NM_017757.3 (MANE Select); coding-DNA position 1526, C replaced by T.
Protein change: p.Pro509Leu; replaces proline 509 with leucine.
Molecular consequence: missense variant.
Genome position (GRCh38, 1-based): chr18:74,632,545, C>T. VCF-style: chr18-74632545-C-T. GRCh37 (hg19) VCF-style: chr18-72344501-C-T.
Other names: c.1526C>T, p.Pro509Leu (NM_001146189.1, NM_001146190.1, NM_001384475.1); short protein forms P509L.
Identifiers: ClinVar variation 997858 (VCV000997858.1), dbSNP rs376677482, ClinGen allele CA9000384.
Genomic context (GRCh38, chr18:74,632,545, plus strand): 5'-TGTGTGTGACTACCTCAGAAACCCAGGAGGCAGAGCAGGGCCAGGGGAGTGCCCGTCCTC[C>T]GGACTCCGGGCTGCATTCCCTGACAGTGAAGCCAGCTTCTGGCTCTCAGACGTTGTGTGC-3'
Protein context (NP_060227.2, residues 499-519): AEQGQGSARP[Pro509Leu]DSGLHSLTVK